The following is an entry in ClinVar:

ClinVar aggregate classification (germline): Likely pathogenic. Review status: criteria provided, single submitter (1 of 4 stars). 2 submissions from 2 submitters: Likely pathogenic (1). 1 of the submissions does not count toward it. Last evaluated 2024-05-27.

Conditions:
Retinal dystrophy. Also called: Inherited retinal dystrophy. Identifiers: Orphanet 71862, MedGen C0854723, MeSH D058499, MONDO:0019118, HP:0000556.
Retinitis pigmentosa 51 (RP51). Identifiers: Orphanet 791, MedGen C3150715, MONDO:0013274, OMIM 613464.

Allele frequency attached by ClinVar (database versions not stated): gnomAD exomes 0.00001.
gnomAD v4.1: 9 of 1,613,598 alleles (0.00056%); highest among the groups gnomAD compares: South Asian, 0.0088%; no homozygotes.

Submissions (2):

Ophthalmic Genetics Group, Institute of Molecular and Clinical Ophthalmology Basel
Classification: Likely pathogenic for Retinal dystrophy. Last evaluated: 2024-05-27. Review status: criteria provided, single submitter. Criteria: ACMG Guidelines, 2015. Collection method: research. Allele origin: germline. Affected: yes. Observed: 1 variant allele.
Comment: This variant was classified as Likely pathogenic based on ACMG criteria: PVS1_strong, PM2_mod and PP5_sup

OMIM
Classification: Pathogenic for RETINITIS PIGMENTOSA 51. Last evaluated: 2010-05-14. Review status: no assertion criteria provided. Collection method: literature only. Allele origin: germline. Not counted in ClinVar's aggregate classification.

Literature cited by the submitters: PubMed 20451172 (cited by Ophthalmic Genetics Group, Institute of Molecular and Clinical Ophthalmology Basel and OMIM); PubMed 25776555 (cited by Ophthalmic Genetics Group, Institute of Molecular and Clinical Ophthalmology Basel and OMIM); PubMed 40180963 (cited by Ophthalmic Genetics Group, Institute of Molecular and Clinical Ophthalmology Basel).

NM_144596.4(TTC8):c.115-2A>G

Gene: TTC8 (tetratricopeptide repeat domain 8; plus strand). Cytogenetic location: 14q31.3.
Variant type: single nucleotide variant.
Coding change: c.115-2A>G on transcript NM_144596.4 (MANE Select); the canonical splice acceptor site of the intron before coding-DNA position 115, A replaced by G.
Molecular consequence: splice acceptor variant. On other transcripts: intron variant (7).
Genome position (GRCh38, 1-based): chr14:88,833,691, A>G. VCF-style: chr14-88833691-A-G. GRCh37 (hg19) VCF-style: chr14-89300035-A-G.
Other names: NC_000014.8:g.89300035A>G; NP_653197.2:p.?; IVS1AS, A-G, -2; c.-448-5761A>G (NM_001288782.1); c.115-5761A>G (NM_001288781.1, NM_198309.3, NM_198310.3 and 2 more transcripts); c.-543-5761A>G (NM_001288783.1).
Identifiers: ClinVar variation 2532 (VCV000002532.3), dbSNP rs587777809, ClinGen allele CA339998.